The following is an entry in ClinVar:

NM_144670.6(A2ML1):c.2764+1G>A

Gene: A2ML1 (alpha-2-macroglobulin like 1; plus strand). Cytogenetic location: 12p13.31.
Variant type: single nucleotide variant.
Coding change: c.2764+1G>A on transcript NM_144670.6 (MANE Select); the canonical splice donor site of the intron after coding-DNA position 2764, G replaced by A.
Molecular consequence: splice donor variant.
Genome position (GRCh38, 1-based): chr12:8,854,832, G>A. VCF-style: chr12-8854832-G-A. GRCh37 (hg19) VCF-style: chr12-9007428-G-A.
Other names: c.1291+1G>A (NM_001282424.3).
Identifiers: ClinVar variation 2905305 (VCV002905305.3), dbSNP rs773034576, ClinGen allele CA383835340.

ClinVar aggregate classification (germline): Uncertain significance (1 of 4 stars; one submission).

Allele frequency attached by ClinVar (database versions not stated): gnomAD 0.00001.
gnomAD v4.1: 9 of 1,613,866 alleles (0.00056%); highest among the groups gnomAD compares: Non-Finnish European, 0.00076%; no homozygotes.

Submission:

Labcorp Genetics (formerly Invitae), Labcorp
Classification: Uncertain significance. Last evaluated: 2023-08-09. Review status: criteria provided, single submitter. Criteria: Invitae Variant Classification Sherloc (09022015). Collection method: clinical testing. Allele origin: germline.
Comment: In summary, the available evidence is currently insufficient to determine the role of this variant in disease. Therefore, it has been classified as a Variant of Uncertain Significance. Algorithms developed to predict the effect of sequence changes on RNA splicing suggest that this variant may disrupt the consensus splice site. This variant has not been reported in the literature in individuals affected with A2ML1-related conditions. This variant is not present in population databases (gnomAD no frequency). This sequence change affects a donor splice site in intron 22 of the A2ML1 gene. It is expected to disrupt RNA splicing. Variants that disrupt the donor or acceptor splice site typically lead to a loss of protein function (PMID: 16199547), however the current clinical and genetic evidence is not sufficient to establish whether loss-of-function variants in A2ML1 cause disease.

Literature cited by the submitters: PubMed 16199547.